The following is an entry in ClinVar:

NM_000051.4(ATM):c.1803-16T>C

Gene: ATM (ATM serine/threonine kinase; plus strand). Cytogenetic location: 11q22.3.
Variant type: single nucleotide variant.
Coding change: c.1803-16T>C on transcript NM_000051.4 (MANE Select); 16 bases into the intron before coding-DNA position 1803, T replaced by C.
Molecular consequence: intron variant.
Genome position (GRCh38, 1-based): chr11:108,252,801, T>C. VCF-style: chr11-108252801-T-C. GRCh37 (hg19) VCF-style: chr11-108123528-T-C.
Other names: c.1803-16T>C (NM_001351834.2).
Identifiers: ClinVar variation 3254505 (VCV003254505.1), dbSNP rs2135352138.
Genomic context (GRCh38, chr11:108,252,801, plus strand): 5'-CATGGATGTTAAAGTTTAAAGTATTCTTTACATGGCTTTTGGTCTTCTAAGTGAAGCTTT[T>C]TGTTTTTCTTTGTAGTAATTTTCCTCATCTTGTACTGGAGAAAATTCTTGTGAGTCTCAC-3'

ClinVar aggregate classification (germline): Likely benign (1 of 4 stars; one submission).

Conditions:
Familial cancer of breast. Also called: BREAST CANCER, FAMILIAL; Hereditary breast cancer; hereditary breast carcinoma. Identifiers: Orphanet 227535, MedGen C0346153, MONDO:0016419, OMIM 114480. Disease mechanism: loss of function.

Submission:

Myriad Genetics, Inc.
Classification: Likely benign for Familial cancer of breast. Last evaluated: 2024-05-01. Review status: criteria provided, single submitter. Criteria: Myriad Autosomal Dominant, Autosomal Recessive and X-Linked Classification Criteria (2023). Collection method: clinical testing. Allele origin: unknown.
Comment: This variant is considered likely benign. This variant is intronic and is not expected to impact mRNA splicing.